The following is an entry in ClinVar:

NM_000038.6(APC):c.5803C>G (p.Gln1935Glu)

Gene: APC (APC regulator of Wnt signaling pathway; plus strand). Cytogenetic location: 5q22.2.
Variant type: single nucleotide variant.
Coding change: c.5803C>G on transcript NM_000038.6 (MANE Select); coding-DNA position 5803, C replaced by G.
Protein change: p.Gln1935Glu; replaces glutamine 1935 with glutamic acid.
Molecular consequence: missense variant.
Genome position (GRCh38, 1-based): chr5:112,841,397, C>G. VCF-style: chr5-112841397-C-G. GRCh37 (hg19) VCF-style: chr5-112177094-C-G.
Other names: c.5803C>G, p.Gln1935Glu (NM_001127510.3, NM_001354895.2, NM_001407450.1); c.5749C>G, p.Gln1917Glu (NM_001127511.3); c.5857C>G, p.Gln1953Glu (NM_001354896.2, NM_001407447.1, NM_001407448.1 and 1 more transcripts); c.5833C>G, p.Gln1945Glu (NM_001354897.2); c.5728C>G, p.Gln1910Glu (NM_001354898.2); c.5719C>G, p.Gln1907Glu (NM_001354899.2); c.5680C>G, p.Gln1894Glu (NM_001354900.2); c.5626C>G, p.Gln1876Glu (NM_001354901.2, NM_001407453.1); and 12 more; short protein forms Q1844E, Q1917E, Q1953E, Q1652E, Q1806E, Q1809E, Q1834E, Q1907E.
Identifiers: ClinVar variation 2000245 (VCV002000245.5), dbSNP rs2149949620, ClinGen allele CA16034025.

ClinVar aggregate classification (germline): Uncertain significance. Review status: criteria provided, multiple submitters, no conflicts (2 of 4 stars). 2 submissions from 2 submitters: Uncertain significance (2). Last evaluated 2026-02-17.

Conditions:
Familial adenomatous polyposis 1 (FAP1). Also called: FAMILIAL ADENOMATOUS POLYPOSIS 1, ATTENUATED; POLYPOSIS, ADENOMATOUS INTESTINAL. Identifiers: MedGen C2713442, MONDO:0021056, OMIM 175100. Disease mechanism: loss of function.
Hereditary cancer-predisposing syndrome. Also called: Neoplastic Syndromes, Hereditary; Tumor predisposition; Hereditary Cancer Syndrome; Hereditary neoplastic syndrome. Identifiers: Orphanet 140162, MedGen C0027672, MeSH D009386, MONDO:0015356.

Submissions (2):

Ambry Genetics
Classification: Uncertain significance for Hereditary cancer-predisposing syndrome. Last evaluated: 2026-02-17. Review status: criteria provided, single submitter. Criteria: Ambry Variant Classification Scheme 2023. Collection method: clinical testing. Allele origin: germline.
Comment: The p.Q1935E variant (also known as c.5803C>G), located in coding exon 15 of the APC gene, results from a C to G substitution at nucleotide position 5803. The glutamine at codon 1935 is replaced by glutamic acid, an amino acid with highly similar properties. This amino acid position is conserved. In addition, in silico predictors for this gene do not accurately predict pathogenicity. Based on the available evidence, the clinical significance of this variant remains unclear.

Labcorp Genetics (formerly Invitae), Labcorp
Classification: Uncertain significance for Familial adenomatous polyposis 1. Last evaluated: 2022-05-29. Review status: criteria provided, single submitter. Criteria: Invitae Variant Classification Sherloc (09022015). Collection method: clinical testing. Allele origin: germline.
Comment: In summary, the available evidence is currently insufficient to determine the role of this variant in disease. Therefore, it has been classified as a Variant of Uncertain Significance. Algorithms developed to predict the effect of missense changes on protein structure and function (SIFT, PolyPhen-2, Align-GVGD) all suggest that this variant is likely to be tolerated. This variant has not been reported in the literature in individuals affected with APC-related conditions. This variant is not present in population databases (gnomAD no frequency). This sequence change replaces glutamine, which is neutral and polar, with glutamic acid, which is acidic and polar, at codon 1935 of the APC protein (p.Gln1935Glu).